The following is an entry in ClinVar:

ClinVar aggregate classification (germline): Likely benign. Review status: criteria provided, multiple submitters, no conflicts (2 of 4 stars). 9 submissions from 9 submitters: Likely benign (7). 2 of the submissions do not count toward it. Last evaluated 2026-01-13.

Conditions:
Early-infantile DEE. Also called: Early infantile epileptic encephalopathy with suppression bursts; Early infantile epileptic encephalopathy; Ohtahara syndrome. Identifiers: Orphanet 1934, MedGen C0393706, MONDO:0800491.
SCN8A-related disorder.
Inborn genetic diseases. Identifiers: MedGen C0950123, MeSH D030342.

Allele frequency attached by ClinVar (database versions not stated): ESP Exome Variant Server 0.00008; gnomAD 0.00010 and 0.00011; TOPMed 0.00010; gnomAD exomes 0.00012; ExAC 0.00015.
gnomAD v4.1: 207 of 1,614,030 alleles (0.013%); highest among the groups gnomAD compares: Middle Eastern, 0.033%; no homozygotes.

Submissions (9):

Labcorp Genetics (formerly Invitae), Labcorp
Classification: Likely benign for Early-infantile DEE. Last evaluated: 2026-01-13. Review status: criteria provided, single submitter. Criteria: Invitae Variant Classification Sherloc (09022015). Collection method: clinical testing. Allele origin: germline.

Mayo Clinic Laboratories, Mayo Clinic
Classification: Likely benign. Last evaluated: 2025-05-20. Review status: criteria provided, single submitter. Criteria: ACMG Guidelines, 2015. Collection method: clinical testing. Allele origin: germline. Observed: 2 variant alleles.
Comment: BS2, BP4, BP7

CeGaT Center for Human Genetics Tuebingen
Classification: Likely benign. Last evaluated: 2025-02-01. Review status: criteria provided, single submitter. Criteria: CeGaT Center For Human Genetics Tuebingen Variant Classification Criteria Version 2. Collection method: clinical testing. Allele origin: germline. Affected: yes. Observed: 4 variant alleles.
Comment: SCN8A: BP4, BP7

PreventionGenetics, part of Exact Sciences
Classification: Likely benign for SCN8A-related condition. Last evaluated: 2024-10-31. Review status: criteria provided, single submitter. Criteria: ACMG Guidelines, 2015. Collection method: clinical testing. Allele origin: germline.
Comment: This variant is classified as likely benign based on ACMG/AMP sequence variant interpretation guidelines (Richards et al. 2015 PMID: 25741868, with internal and published modifications).

Blueprint Genetics
Classification: Likely benign. Last evaluated: 2024-08-29. Review status: criteria provided, single submitter. Criteria: ACMG Guidelines, 2015. Collection method: clinical testing. Allele origin: germline.

GeneDx
Classification: Likely benign. Last evaluated: 2021-03-31. Review status: criteria provided, single submitter. Criteria: GeneDx Variant Classification Process June 2021. Collection method: clinical testing. Allele origin: germline. Affected: yes.

Ambry Genetics
Classification: Likely benign for Inborn genetic diseases. Last evaluated: 2020-02-11. Review status: criteria provided, single submitter. Criteria: Ambry Variant Classification Scheme 2023. Collection method: clinical testing. Allele origin: germline.

Diagnostic Laboratory, Department of Genetics, University Medical Center Groningen
Classification: Likely benign. Review status: no assertion criteria provided. Collection method: clinical testing. Allele origin: germline. Affected: yes. Study: VKGL Data-share Consensus. Not counted in ClinVar's aggregate classification.

Joint Genome Diagnostic Labs from Nijmegen and Maastricht, Radboudumc and MUMC+
Classification: Likely benign. Review status: no assertion criteria provided. Collection method: clinical testing. Allele origin: germline. Affected: yes. Study: VKGL Data-share Consensus. Not counted in ClinVar's aggregate classification.

NM_001330260.2(SCN8A):c.5046C>T (p.Ile1682=)

Gene: SCN8A (sodium voltage-gated channel alpha subunit 8; plus strand). Cytogenetic location: 12q13.13.
Variant type: single nucleotide variant.
Coding change: c.5046C>T on transcript NM_001330260.2 (MANE Select); coding-DNA position 5046, C replaced by T.
Protein change: p.Ile1682=; no amino-acid change (isoleucine 1682 retained).
Molecular consequence: synonymous variant.
Genome position (GRCh38, 1-based): chr12:51,806,532, C>T. VCF-style: chr12-51806532-C-T. GRCh37 (hg19) VCF-style: chr12-52200316-C-T.
Other names: p.Ile1682=; c.4923C>T, p.Ile1641= (NM_001177984.3, NM_001369788.1); c.5046C>T, p.Ile1682= (NM_014191.4).
Identifiers: ClinVar variation 413882 (VCV000413882.57), dbSNP rs376759643, ClinGen allele CA6571887.